The following is an entry in ClinVar:

NM_201548.5(CERKL):c.895+1G>A

Gene: CERKL (CERK like autophagy regulator; minus strand). Cytogenetic location: 2q31.3.
Variant type: single nucleotide variant.
Coding change: c.895+1G>A on transcript NM_201548.5 (MANE Select); the canonical splice donor site of the intron after coding-DNA position 895, G replaced by A.
Molecular consequence: splice donor variant.
Genome position (GRCh38, 1-based): chr2:181,549,633, C>T on the plus strand (G>A on the coding strand, the complement: CERKL is on the minus strand). VCF-style: chr2-181549633-C-T. GRCh37 (hg19) VCF-style: chr2-182414360-C-T.
Other names: c.556+1G>A (NM_001030312.3); c.841+1G>A (NM_001160277.2); c.688+1G>A (NM_001030313.3); c.973+1G>A (NM_001030311.3).
Identifiers: ClinVar variation 1520437 (VCV001520437.7), dbSNP rs1283975197, ClinGen allele CA349737616.
Genomic context (GRCh38, chr2:181,549,633, plus strand): 5'-CCTTCCTTATATAAATCAACATTTCCTTATAAAATATGAACTGCTTTGGAAGAATTCTTA[C>T]CCATTATAATGTGCAATGTTGCAGTTATCACATGAGGAACTCCATGAAGAGAATGTGCCA-3'

ClinVar aggregate classification (germline): Likely pathogenic. Review status: criteria provided, multiple submitters, no conflicts (2 of 4 stars). 2 submissions from 2 submitters: Likely pathogenic (2). Last evaluated 2024-03-07.

Conditions:
Retinitis pigmentosa 26 (RP26). Identifiers: Orphanet 791, MedGen C1842127, MONDO:0012024, OMIM 608380.

Allele frequency attached by ClinVar (database versions not stated): gnomAD exomes below 0.00001; TOPMed below 0.00001.
gnomAD v4.1: 2 of 1,598,330 alleles (0.00013%); highest among the groups gnomAD compares: Non-Finnish European, 0.00017%; no homozygotes.

Submissions (2):

Baylor Genetics
Classification: Likely pathogenic for Retinitis pigmentosa 26. Last evaluated: 2024-03-07. Review status: criteria provided, single submitter. Criteria: ACMG Guidelines, 2015. Collection method: clinical testing. Allele origin: unknown.

Labcorp Genetics (formerly Invitae), Labcorp
Classification: Likely pathogenic. Last evaluated: 2023-08-10. Review status: criteria provided, single submitter. Criteria: Invitae Variant Classification Sherloc (09022015). Collection method: clinical testing. Allele origin: germline.
Comment: This sequence change affects a donor splice site in intron 7 of the CERKL gene. It is expected to disrupt RNA splicing. Variants that disrupt the donor or acceptor splice site typically lead to a loss of protein function (PMID: 16199547), and loss-of-function variants in CERKL are known to be pathogenic (PMID: 14681825, 23591405, 24043777). Algorithms developed to predict the effect of sequence changes on RNA splicing suggest that this variant may disrupt the consensus splice site. ClinVar contains an entry for this variant (Variation ID: 1520437). This variant has not been reported in the literature in individuals affected with CERKL-related conditions. This variant is present in population databases (no rsID available, gnomAD 0.0009%). In summary, the currently available evidence indicates that the variant is pathogenic, but additional data are needed to prove that conclusively. Therefore, this variant has been classified as Likely Pathogenic.

Literature cited by the submitters: PubMed 16199547 (cited by Labcorp Genetics (formerly Invitae), Labcorp); PubMed 14681825 (cited by Labcorp Genetics (formerly Invitae), Labcorp); PubMed 23591405 (cited by Labcorp Genetics (formerly Invitae), Labcorp); PubMed 24043777 (cited by Labcorp Genetics (formerly Invitae), Labcorp).